The following is an entry in ClinVar:

ClinVar aggregate classification (germline): Benign/Likely benign. Review status: criteria provided, multiple submitters, no conflicts (2 of 4 stars). 12 submissions from 10 submitters: Benign (5); Likely benign (4). 3 of the submissions do not count toward it. Last evaluated 2026-02-02.

Conditions:
History of neurodevelopmental disorder. Identifiers: MedGen C2711754.
Charcot-Marie-Tooth Neuropathy X. Identifiers: MedGen CN118851.
Phosphoribosylpyrophosphate synthetase superactivity. Identifiers: Orphanet 3222, MedGen C1970827, MONDO:0010395, OMIM 300661.
Charcot-Marie-Tooth disease X-linked recessive 5 (CMTX5). Also called: Charcot-Marie-Tooth Neuropathy X Type 5 (CMTX5); Optic atrophy, neural deafness, and distal neurogenic amyotrophy; OPTIC ATROPHY, POLYNEUROPATHY, AND DEAFNESS; ROSENBERG-CHUTORIAN SYNDROME. Identifiers: Orphanet 99014, MedGen C1839566, MONDO:0010699, OMIM 311070.
Hearing loss, X-linked 1 (DFNX1). Also called: DEAFNESS, X-LINKED 2, SENSORINEURAL CONGENITAL; DFNX1 Nonsyndromic Sensorineural Hearing Loss (DFN2); DFNX1 Nonsyndromic Hearing Loss and Deafness; DEAFNESS, X-LINKED 1. Identifiers: Orphanet 90625, MedGen C1844677, MONDO:0010577, OMIM 304500.
Arts syndrome (ARTS). Also called: ARTS SYNDROME AND PHOSPHORIBOSYLPYROPHOSPHATE SYNTHETASE SUPERACTIVITY; MENTAL RETARDATION, X-LINKED, SYNDROMIC 18; MENTAL RETARDATION, X-LINKED, SYNDROMIC, ARTS TYPE. Identifiers: Orphanet 1187, MedGen C0796028, MONDO:0010533, OMIM 301835.

Allele frequency attached by ClinVar (database versions not stated): gnomAD 0.00068 and 0.00094; TOPMed 0.00078; 1000 Genomes Project 30x 0.00499; 1000 Genomes Project 0.00583.
gnomAD v4.1: 581 of 1,209,966 alleles (0.048%); highest among the groups gnomAD compares: East Asian, 1.5%; 3 homozygotes.

Submissions (12):

Labcorp Genetics (formerly Invitae), Labcorp
Classification: Benign for Charcot-Marie-Tooth Neuropathy X. Last evaluated: 2026-02-02. Review status: criteria provided, single submitter. Criteria: Invitae Variant Classification Sherloc (09022015). Collection method: clinical testing. Allele origin: germline.

Blueprint Genetics
Classification: Likely benign. Last evaluated: 2024-10-31. Review status: criteria provided, single submitter. Criteria: ACMG Guidelines, 2015. Collection method: clinical testing. Allele origin: germline.

Fulgent Genetics
Classification: Likely benign for Phosphoribosylpyrophosphate synthetase superactivity; Arts syndrome; Hearing loss, X-linked 1; Charcot-Marie-Tooth disease X-linked recessive 5. Last evaluated: 2021-09-07. Review status: criteria provided, single submitter. Criteria: ACMG Guidelines, 2015. Collection method: clinical testing. Allele origin: unknown.

Illumina Laboratory Services, Illumina
Classification: Benign for Phosphoribosylpyrophosphate synthetase superactivity. Last evaluated: 2018-01-12. Review status: criteria provided, single submitter. Criteria: ICSL Variant Classification Criteria 13 December 2019. Collection method: clinical testing. Allele origin: germline.
Comment: This variant was observed in the ICSL laboratory as part of a predisposition screen in an ostensibly healthy population. It had not been previously curated by ICSL or reported in the Human Gene Mutation Database (HGMD: prior to June 1st, 2018), and was therefore a candidate for classification through an automated scoring system. Utilizing variant allele frequency, disease prevalence and penetrance estimates, and inheritance mode, an automated score was calculated to assess if this variant is too frequent to cause the disease. Based on the score and internal cut-off values, a variant classified as benign is not then subjected to further curation. The score for this variant resulted in a classification of benign for this disease.

Illumina Laboratory Services, Illumina
Classification: Benign for Arts syndrome. Last evaluated: 2018-01-12. Review status: criteria provided, single submitter. Criteria: ICSL Variant Classification Criteria 13 December 2019. Collection method: clinical testing. Allele origin: germline.
Comment: the same text as in the submission from Illumina Laboratory Services, Illumina above.

Illumina Laboratory Services, Illumina
Classification: Benign for Hearing loss, X-linked 1. Last evaluated: 2018-01-12. Review status: criteria provided, single submitter. Criteria: ICSL Variant Classification Criteria 13 December 2019. Collection method: clinical testing. Allele origin: germline.
Comment: the same text as in the submission from Illumina Laboratory Services, Illumina above.

GeneDx
Classification: Benign. Last evaluated: 2016-02-19. Review status: criteria provided, single submitter. Criteria: GeneDx Variant Classification (06012015). Collection method: clinical testing. Allele origin: germline. Affected: yes.
Comment: This variant is considered likely benign or benign based on one or more of the following criteria: it is a conservative change, it occurs at a poorly conserved position in the protein, it is predicted to be benign by multiple in silico algorithms, and/or has population frequency not consistent with disease.

Genetic Services Laboratory, University of Chicago
Classification: Likely benign. Last evaluated: 2015-08-17. Review status: criteria provided, single submitter. Criteria: ACMG Guidelines, 2015. Collection method: clinical testing. Allele origin: germline. Affected: no.

Ambry Genetics
Classification: Likely benign for History of neurodevelopmental disorder. Last evaluated: 2015-06-19. Review status: criteria provided, single submitter. Criteria: Ambry Autosomal Dominant and X-Linked criteria (10/2015). Collection method: clinical testing. Allele origin: germline. Observed: 1 variant allele.

Clinical Genetics DNA and cytogenetics Diagnostics Lab, Erasmus MC, Erasmus Medical Center
Classification: Likely benign. Review status: no assertion criteria provided. Collection method: clinical testing. Allele origin: germline. Affected: yes. Study: VKGL Data-share Consensus. Not counted in ClinVar's aggregate classification.

Clinical Genetics, Academic Medical Center
Classification: Benign. Review status: no assertion criteria provided. Collection method: clinical testing. Allele origin: germline. Affected: yes. Study: VKGL Data-share Consensus. Not counted in ClinVar's aggregate classification.

GeneReviews
No classification provided. Condition: Arts syndrome. Review status: no classification provided. Collection method: literature only. Allele origin: unknown. Not counted in ClinVar's aggregate classification.

Literature cited by the submitters: PubMed 17701900 (cited by GeneReviews); PubMed 20301731 (cited by GeneReviews); NCBI Bookshelf NBK1876 (cited by GeneReviews).

NM_002764.4(PRPS1):c.447G>A (p.Pro149=)

Gene: PRPS1 (phosphoribosyl pyrophosphate synthetase 1; plus strand). Cytogenetic location: Xq22.3.
Variant type: single nucleotide variant.
Coding change: c.447G>A on transcript NM_002764.4 (MANE Select); coding-DNA position 447, G replaced by A.
Protein change: p.Pro149=; no amino-acid change (proline 149 retained).
Molecular consequence: synonymous variant. On other transcripts: intron variant (1).
Genome position (GRCh38, 1-based): chrX:107,642,407, G>A. VCF-style: chrX-107642407-G-A. GRCh37 (hg19) VCF-style: chrX-106885637-G-A.
Other names: c.-82-2770G>A (NM_001204402.2).
Identifiers: ClinVar variation 21323 (VCV000021323.29), dbSNP rs80338730, ClinGen allele CA341896.
Genomic context (GRCh38, chrX:107,642,407, plus strand): 5'-ATCCAGCTTCTTTCTACAGGGCTTTTTTGATATCCCAGTAGACAATTTGTATGCAGAGCC[G>A]GCTGTCCTAAAGTGGATAAGGGAGAATATCTCTGAGTGGAGGAACTGCACTATTGTCTCA-3'
Protein context (NP_002755.1, residues 139-159): DIPVDNLYAE[Pro149=]AVLKWIRENI